The following is an entry in ClinVar:

ClinVar aggregate classification (germline): Uncertain significance. Review status: criteria provided, single submitter (1 of 4 stars). 2 submissions from 2 submitters: Uncertain significance (1). 1 of the submissions does not count toward it. Last evaluated 2022-01-13.

Conditions:
Usher syndrome type 2A. Also called: USHER SYNDROME, TYPE IIA; RETINAL DISEASE IN USHER SYNDROME TYPE IIA, MODIFIER OF. Identifiers: Orphanet 231178, Orphanet 886, MedGen C1848634, MONDO:0010169, OMIM 276901.

Allele frequency attached by ClinVar (database versions not stated): TOPMed below 0.00001; gnomAD 0.00002.
gnomAD v4.1: 4 of 1,613,894 alleles (0.00025%); highest among the groups gnomAD compares: African/African-American, 0.0053%; no homozygotes.

Submissions (2):

Labcorp Genetics (formerly Invitae), Labcorp
Classification: Uncertain significance. Last evaluated: 2022-01-13. Review status: criteria provided, single submitter. Criteria: Invitae Variant Classification Sherloc (09022015). Collection method: clinical testing. Allele origin: germline.
Comment: In summary, the available evidence is currently insufficient to determine the role of this variant in disease. Therefore, it has been classified as a Variant of Uncertain Significance. Algorithms developed to predict the effect of missense changes on protein structure and function are either unavailable or do not agree on the potential impact of this missense change (SIFT: "Deleterious"; PolyPhen-2: "Benign"; Align-GVGD: "Class C0"). ClinVar contains an entry for this variant (Variation ID: 1045647). This variant has not been reported in the literature in individuals affected with USH2A-related conditions. This variant is present in population databases (no rsID available, gnomAD 0.01%). This sequence change replaces threonine, which is neutral and polar, with isoleucine, which is neutral and non-polar, at codon 1327 of the USH2A protein (p.Thr1327Ile).

Natera, Inc.
Classification: Uncertain significance for Usher syndrome type 2A. Last evaluated: 2021-05-01. Review status: no assertion criteria provided. Collection method: clinical testing. Allele origin: germline. Not counted in ClinVar's aggregate classification.

NM_206933.4(USH2A):c.3980C>T (p.Thr1327Ile)

Genes: USH2A (usherin; minus strand), USH2A-AS1 (USH2A antisense RNA 1; plus strand). Cytogenetic location: 1q41.
Variant type: single nucleotide variant.
Coding change: c.3980C>T on transcript NM_206933.4 (MANE Select); coding-DNA position 3980, C replaced by T.
Protein change: p.Thr1327Ile; replaces threonine 1327 with isoleucine.
Molecular consequence: missense variant.
Genome position (GRCh38, 1-based): chr1:216,198,416, G>A on the plus strand (C>T on the coding strand, the complement: USH2A is on the minus strand). VCF-style: chr1-216198416-G-A. GRCh37 (hg19) VCF-style: chr1-216371758-G-A.
Other names: c.3980C>T, p.Thr1327Ile (NM_007123.6); short protein forms T1327I.
Identifiers: ClinVar variation 1045647 (VCV001045647.7), dbSNP rs774663133, ClinGen allele CA344867056.